The following is an entry in ClinVar:

NM_144643.4(SCLT1):c.1092G>A (p.Met364Ile)

Gene: SCLT1 (sodium channel and clathrin linker 1; minus strand). Cytogenetic location: 4q28.2.
Variant type: single nucleotide variant.
Coding change: c.1092G>A on transcript NM_144643.4 (MANE Select); coding-DNA position 1092, G replaced by A.
Protein change: p.Met364Ile; replaces methionine 364 with isoleucine.
Molecular consequence: missense variant.
Genome position (GRCh38, 1-based): chr4:128,957,080, C>T on the plus strand (G>A on the coding strand, the complement: SCLT1 is on the minus strand). VCF-style: chr4-128957080-C-T. GRCh37 (hg19) VCF-style: chr4-129878235-C-T.
Other names: c.1092G>A, p.Met364Ile (NM_001410807.1); short protein forms M364I.
Identifiers: ClinVar variation 2015254 (VCV002015254.4), dbSNP rs2530429388, ClinGen allele CA358188449.

ClinVar aggregate classification (germline): Uncertain significance (1 of 4 stars; one submission).

Submission:

Labcorp Genetics (formerly Invitae), Labcorp
Classification: Uncertain significance. Last evaluated: 2022-07-09. Review status: criteria provided, single submitter. Criteria: Invitae Variant Classification Sherloc (09022015). Collection method: clinical testing. Allele origin: germline.
Comment: This sequence change replaces methionine, which is neutral and non-polar, with isoleucine, which is neutral and non-polar, at codon 364 of the SCLT1 protein (p.Met364Ile). This variant is not present in population databases (gnomAD no frequency). This variant has not been reported in the literature in individuals affected with SCLT1-related conditions. Algorithms developed to predict the effect of missense changes on protein structure and function output the following: SIFT: "Deleterious"; PolyPhen-2: "Benign"; Align-GVGD: "Class C0". The isoleucine amino acid residue is found in multiple mammalian species, which suggests that this missense change does not adversely affect protein function. In summary, the available evidence is currently insufficient to determine the role of this variant in disease. Therefore, it has been classified as a Variant of Uncertain Significance.